The following is an entry in ClinVar:

NM_001166108.2(PALLD):c.2090A>G (p.Asn697Ser)

Gene: PALLD (palladin, cytoskeletal associated protein; plus strand). Cytogenetic location: 4q32.3.
Variant type: single nucleotide variant.
Coding change: c.2090A>G on transcript NM_001166108.2 (MANE Select); coding-DNA position 2090, A replaced by G.
Protein change: p.Asn697Ser; replaces asparagine 697 with serine.
Molecular consequence: missense variant. On other transcripts: 5 prime UTR variant (4).
Genome position (GRCh38, 1-based): chr4:168,891,047, A>G. VCF-style: chr4-168891047-A-G. GRCh37 (hg19) VCF-style: chr4-169812198-A-G.
Other names: c.944A>G, p.Asn315Ser (NM_001166109.2); c.629A>G, p.Asn210Ser (NM_001166110.2); c.-32A>G (NM_001367567.1, NM_001367568.1, NM_001367569.1 and 1 more transcripts); c.2090A>G, p.Asn697Ser (NM_016081.4); short protein forms N210S, N315S, N697S.
Identifiers: ClinVar variation 2448507 (VCV002448507.2), dbSNP rs2533588501, ClinGen allele CA358797324.

ClinVar aggregate classification (germline): Uncertain significance (1 of 4 stars; one submission).

Submission:

Ambry Genetics
Classification: Uncertain significance. Last evaluated: 2023-02-28. Review status: criteria provided, single submitter. Criteria: Ambry Variant Classification Scheme 2023. Collection method: clinical testing. Allele origin: germline.
Comment: The p.N697S variant (also known as c.2090A>G), located in coding exon 10 of the PALLD gene, results from an A to G substitution at nucleotide position 2090. The asparagine at codon 697 is replaced by serine, an amino acid with highly similar properties. This amino acid position is conserved. In addition, this alteration is predicted to be tolerated by in silico analysis. Since supporting evidence is limited at this time, the clinical significance of this alteration remains unclear.